The following is an entry in ClinVar:

ClinVar aggregate classification (germline): Uncertain significance (1 of 4 stars; one submission).

Conditions:
Kabuki syndrome 1 (KABUK1). Also called: KMT2D-Related Kabuki Syndrome. Identifiers: Orphanet 2322, MedGen CN030661, MONDO:0007843, OMIM 147920.

Submission:

Dasa
Classification: Uncertain significance for Kabuki syndrome 1. Last evaluated: 2026-02-19. Review status: criteria provided, single submitter. Criteria: DASA Assertion Criteria. Collection method: clinical testing. Allele origin: germline.
Comment: NM_003482.4(KMT2D):c.3119C>T (p.Ser1040Phe) is a missense variant that results in the substitution of serine with phenylalanine. This variant is rare in population databases. The currently available literature and clinical evidence are not sufficient to establish a definitive association between this variant and the reported condition. Therefore, this variant is classified as a variant of uncertain significance.

NM_003482.4(KMT2D):c.3119C>T (p.Ser1040Phe)

Gene: KMT2D (lysine methyltransferase 2D; minus strand). Cytogenetic location: 12q13.12.
Variant type: single nucleotide variant.
Coding change: c.3119C>T on transcript NM_003482.4 (MANE Select); coding-DNA position 3119, C replaced by T.
Protein change: p.Ser1040Phe; replaces serine 1040 with phenylalanine.
Molecular consequence: missense variant.
Genome position (GRCh38, 1-based): chr12:49,050,469, G>A on the plus strand (C>T on the coding strand, the complement: KMT2D is on the minus strand). VCF-style: chr12-49050469-G-A. GRCh37 (hg19) VCF-style: chr12-49444252-G-A.
Other names: short protein forms S1040F.
Identifiers: ClinVar variation 4882852 (VCV004882852.2).